The following is an entry in ClinVar:

ClinVar aggregate classification (germline): Uncertain significance (1 of 4 stars; one submission).

Allele frequency attached by ClinVar (database versions not stated): gnomAD exomes below 0.00001.
gnomAD v4.1: 5 of 1,467,502 alleles (0.00034%); highest among the groups gnomAD compares: Non-Finnish European, 0.00027%; no homozygotes.

Submission:

Labcorp Genetics (formerly Invitae), Labcorp
Classification: Uncertain significance. Last evaluated: 2022-07-18. Review status: criteria provided, single submitter. Criteria: Invitae Variant Classification Sherloc (09022015). Collection method: clinical testing. Allele origin: germline.
Comment: This sequence change replaces proline, which is neutral and non-polar, with glutamine, which is neutral and polar, at codon 59 of the ATRN protein (p.Pro59Gln). This variant is not present in population databases (gnomAD no frequency). This variant has not been reported in the literature in individuals affected with ATRN-related conditions. ClinVar contains an entry for this variant (Variation ID: 1438562). Algorithms developed to predict the effect of missense changes on protein structure and function are either unavailable or do not agree on the potential impact of this missense change (SIFT: "Deleterious"; PolyPhen-2: "Not Available"; Align-GVGD: "Class C0"). In summary, the available evidence is currently insufficient to determine the role of this variant in disease. Therefore, it has been classified as a Variant of Uncertain Significance.

NM_139321.3(ATRN):c.176C>A (p.Pro59Gln)

Genes: ATRN (attractin; plus strand), LOC130065331 (ATAC-STARR-seq lymphoblastoid silent region 12621; plus strand). Cytogenetic location: 20p13.
Variant type: single nucleotide variant.
Coding change: c.176C>A on transcript NM_139321.3 (MANE Select); coding-DNA position 176, C replaced by A.
Protein change: p.Pro59Gln; replaces proline 59 with glutamine.
Molecular consequence: missense variant. On other transcripts: intron variant (1).
Genome position (GRCh38, 1-based): chr20:3,471,283, C>A. VCF-style: chr20-3471283-C-A. GRCh37 (hg19) VCF-style: chr20-3451930-C-A.
Other names: c.176C>A, p.Pro59Gln (NM_001323332.2, NM_139322.4); c.62+149C>A (NM_001207047.3); short protein forms P59Q.
Identifiers: ClinVar variation 1438562 (VCV001438562.6), dbSNP rs2084416122, ClinGen allele CA408251788.